The following is an entry in ClinVar:

NM_152490.5(B3GALNT2):c.266T>C (p.Leu89Pro)

Gene: B3GALNT2 (beta-1,3-N-acetylgalactosaminyltransferase 2; minus strand). Cytogenetic location: 1q42.3.
Variant type: single nucleotide variant.
Coding change: c.266T>C on transcript NM_152490.5 (MANE Select); coding-DNA position 266, T replaced by C.
Protein change: p.Leu89Pro; replaces leucine 89 with proline.
Molecular consequence: missense variant.
Genome position (GRCh38, 1-based): chr1:235,489,263, A>G on the plus strand (T>C on the coding strand, the complement: B3GALNT2 is on the minus strand). VCF-style: chr1-235489263-A-G. GRCh37 (hg19) VCF-style: chr1-235652568-A-G.
Other names: c.389T>C, p.Leu130Pro (NM_001277155.3); short protein forms L130P, L89P.
Identifiers: ClinVar variation 2584939 (VCV002584939.1), dbSNP rs1684949629, ClinGen allele CA344928872.
Genomic context (GRCh38, chr1:235,489,263, plus strand): 5'-GGATCCTCCCTGTCTTCCACAGGCACTTCACAGCCATGAGCACCTATTATGAACTTCACA[A>G]GCACACTGAGAGATGTGTTGGCATTAACATCAGTTACTGATCTTCACCTCGCACATGCAC-3'
Protein context (NP_689703.1, residues 79-99): LQHPTLSQRV[Leu89Pro]VKFIIGAHGC

ClinVar aggregate classification (germline): Uncertain significance (1 of 4 stars; one submission).

Conditions:
Muscular dystrophy-dystroglycanopathy (congenital with brain and eye anomalies), type a, 11 (MDDGA11). Also called: Muscular dystrophy-dystroglycanopathy (congenital with brain and eye anomalies, type A, 11; WALKER-WARBURG SYNDROME OR MUSCLE-EYE-BRAIN DISEASE, B3GALNT2-RELATED; Congenital muscular dystrophy-dystroglycanopathy with brain and eye anomalies, type A11. Identifiers: Orphanet 588, Orphanet 899, MedGen C3554638, MONDO:0014071, OMIM 615181.

Submission:

Neuberg Centre For Genomic Medicine, NCGM
Classification: Uncertain significance for Muscular dystrophy-dystroglycanopathy (congenital with brain and eye anomalies), type a, 11. Review status: criteria provided, single submitter. Criteria: ACMG Guidelines, 2015. Collection method: clinical testing. Allele origin: germline. Inheritance: Autosomal recessive inheritance. Affected: yes.
Comment: The missense variant c.266T>C (p.Leu89Pro) in B3GALNT2 gene has not been reported previously as a pathogenic variant nor as a benign variant, to our knowledge. The p.Asn541Asp variant is novel (not in any individuals) in gnomAD Exomes and 1000 Genomes. This variant has not been reported to the ClinVar database. The amino acid Leu at position 89 is changed to a Pro changing protein sequence and it might alter its composition and physico-chemical properties. The amino acid change p.Leu89Pro in B3GALNT2 is predicted as conserved by GERP++ and PhyloP across 100 vertebrates. For these reasons, this variant has been classified as Uncertain Significance (VUS).